The following is an entry in ClinVar:

NM_001101362.3(KBTBD13):c.571G>C (p.Ala191Pro)

Gene: KBTBD13 (kelch repeat and BTB domain containing 13; plus strand). Cytogenetic location: 15q22.31.
Variant type: single nucleotide variant.
Coding change: c.571G>C on transcript NM_001101362.3 (MANE Select); coding-DNA position 571, G replaced by C.
Protein change: p.Ala191Pro; replaces alanine 191 with proline.
Molecular consequence: missense variant.
Genome position (GRCh38, 1-based): chr15:65,077,386, G>C. VCF-style: chr15-65077386-G-C. GRCh37 (hg19) VCF-style: chr15-65369724-G-C.
Other names: short protein forms A191P.
Identifiers: ClinVar variation 837173 (VCV000837173.9), dbSNP rs2086990576, ClinGen allele CA392861560.

ClinVar aggregate classification (germline): Uncertain significance (1 of 4 stars; one submission).

Conditions:
Nemaline myopathy 6 (NEM6). Also called: Nemaline myopathy 6, autosomal dominant. Identifiers: Orphanet 171439, MedGen C1836472, MONDO:0012237, OMIM 609273.

Submission:

Labcorp Genetics (formerly Invitae), Labcorp
Classification: Uncertain significance for Nemaline myopathy 6. Last evaluated: 2022-11-29. Review status: criteria provided, single submitter. Criteria: Invitae Variant Classification Sherloc (09022015). Collection method: clinical testing. Allele origin: germline.
Comment: This variant is not present in population databases (gnomAD no frequency). This sequence change replaces alanine, which is neutral and non-polar, with proline, which is neutral and non-polar, at codon 191 of the KBTBD13 protein (p.Ala191Pro). This variant has not been reported in the literature in individuals affected with KBTBD13-related conditions. In summary, the available evidence is currently insufficient to determine the role of this variant in disease. Therefore, it has been classified as a Variant of Uncertain Significance. Advanced modeling of protein sequence and biophysical properties (such as structural, functional, and spatial information, amino acid conservation, physicochemical variation, residue mobility, and thermodynamic stability) performed at Invitae indicates that this missense variant is not expected to disrupt KBTBD13 protein function. ClinVar contains an entry for this variant (Variation ID: 837173).